The following is an entry in ClinVar:

NM_001376.5(DYNC1H1):c.13006+186A>G

Gene: DYNC1H1 (dynein cytoplasmic 1 heavy chain 1; plus strand). Cytogenetic location: 14q32.31.
Variant type: single nucleotide variant.
Coding change: c.13006+186A>G on transcript NM_001376.5 (MANE Select); 186 bases into the intron after coding-DNA position 13006, A replaced by G.
Molecular consequence: intron variant.
Genome position (GRCh38, 1-based): chr14:102,044,884, A>G. VCF-style: chr14-102044884-A-G. GRCh37 (hg19) VCF-style: chr14-102511221-A-G.
Identifiers: ClinVar variation 679611 (VCV000679611.1), dbSNP rs548254407, ClinGen allele CA266981905.
Genomic context (GRCh38, chr14:102,044,884, plus strand): 5'-TGCTGGGTGTGGCTCTGTCAGCCTCGGCCTTCCTGCCAGTCTCCAGCTGCTCCTAGCTCC[A>G]CTCCGAGGGGAGGCAGAGGAAAGAACTGGCTCTTCTCTGCAGCATCAACTCAGTTCTAGA-3'

ClinVar aggregate classification (germline): Likely benign (1 of 4 stars; one submission).

Allele frequency attached by ClinVar (database versions not stated): 1000 Genomes Project 0.00020; 1000 Genomes Project 30x 0.00031; TOPMed 0.00049; gnomAD exomes 0.00238; gnomAD 0.00309 and 0.00326.
gnomAD v4.1: 1,651 of 655,748 alleles (0.25%); highest among the groups gnomAD compares: Non-Finnish European, 0.1%; 24 homozygotes.

Submission:

GeneDx
Classification: Likely benign. Last evaluated: 2018-06-19. Review status: criteria provided, single submitter. Criteria: GeneDx Variant Classification (06012015). Collection method: clinical testing. Allele origin: germline. Affected: yes.
Comment: This variant is considered likely benign or benign based on one or more of the following criteria: it is a conservative change, it occurs at a poorly conserved position in the protein, it is predicted to be benign by multiple in silico algorithms, and/or has population frequency not consistent with disease.